The following is an entry in ClinVar:

ClinVar aggregate classification (germline): Uncertain significance (1 of 4 stars; one submission).

Conditions:
Neonatal-onset encephalopathy with rigidity and seizures. Also called: Lethal neonatal spasticity-epileptic encephalopathy syndrome. Identifiers: Orphanet 435845, MedGen C3281029, MONDO:0013784, OMIM 614498.

Submission:

Labcorp Genetics (formerly Invitae), Labcorp
Classification: Uncertain significance for Neonatal-onset encephalopathy with rigidity and seizures. Last evaluated: 2025-04-09. Review status: criteria provided, single submitter. Criteria: Invitae Variant Classification Sherloc (09022015). Collection method: clinical testing. Allele origin: germline.
Comment: This sequence change replaces glutamine, which is neutral and polar, with arginine, which is basic and polar, at codon 629 of the BRAT1 protein (p.Gln629Arg). This variant is not present in population databases (gnomAD no frequency). This variant has not been reported in the literature in individuals affected with BRAT1-related conditions. Invitae Evidence Modeling of protein sequence and biophysical properties (such as structural, functional, and spatial information, amino acid conservation, physicochemical variation, residue mobility, and thermodynamic stability) indicates that this missense variant is not expected to disrupt BRAT1 protein function with a negative predictive value of 95%. In summary, the available evidence is currently insufficient to determine the role of this variant in disease. Therefore, it has been classified as a Variant of Uncertain Significance.

NM_152743.4(BRAT1):c.1886A>G (p.Gln629Arg)

Gene: BRAT1 (BRCA1 associated ATM activator 1; minus strand). Cytogenetic location: 7p22.3.
Variant type: single nucleotide variant.
Coding change: c.1886A>G on transcript NM_152743.4 (MANE Select); coding-DNA position 1886, A replaced by G.
Protein change: p.Gln629Arg; replaces glutamine 629 with arginine.
Molecular consequence: missense variant. On other transcripts: non-coding transcript variant (1).
Genome position (GRCh38, 1-based): chr7:2,538,649, T>C on the plus strand (A>G on the coding strand, the complement: BRAT1 is on the minus strand). VCF-style: chr7-2538649-T-C. GRCh37 (hg19) VCF-style: chr7-2578283-T-C.
Other names: c.2066A>G, p.Gln689Arg (NM_001350626.2); c.1361A>G, p.Gln454Arg (NM_001350627.2); short protein forms Q454R, Q629R, Q689R.
Identifiers: ClinVar variation 4770362 (VCV004770362.1).